The following is an entry in ClinVar:

NM_021625.5(TRPV4):c.1198C>T (p.Arg400Trp)

Gene: TRPV4 (transient receptor potential cation channel subfamily V member 4; minus strand). Cytogenetic location: 12q24.11.
Variant type: single nucleotide variant.
Coding change: c.1198C>T on transcript NM_021625.5 (MANE Select); coding-DNA position 1198, C replaced by T.
Protein change: p.Arg400Trp; replaces arginine 400 with tryptophan.
Molecular consequence: missense variant. On other transcripts: intron variant (2).
Genome position (GRCh38, 1-based): chr12:109,796,659, G>A on the plus strand (C>T on the coding strand, the complement: TRPV4 is on the minus strand). VCF-style: chr12-109796659-G-A. GRCh37 (hg19) VCF-style: chr12-110234464-G-A.
Other names: c.1057C>T, p.Arg353Trp (NM_001177428.2); c.1096C>T, p.Arg366Trp (NM_001177431.2); c.1011+1955C>T (NM_001177433.1); c.1152+1955C>T (NM_147204.2); short protein forms R400W, R366W, R353W.
Identifiers: ClinVar variation 450767 (VCV000450767.11), dbSNP rs781711282, ClinGen allele CA6780306.

ClinVar aggregate classification (germline): Uncertain significance. Review status: criteria provided, multiple submitters, no conflicts (2 of 4 stars). 3 submissions from 3 submitters: Uncertain significance (3). Last evaluated 2025-11-09.

Conditions:
Charcot-Marie-Tooth disease axonal type 2C (HMSN2C). Also called: CHARCOT-MARIE-TOOTH DISEASE, AXONAL, AUTOSOMAL DOMINANT, TYPE 2C; Charcot-Marie-Tooth Neuropathy Type 2C; Charcot-Marie-Tooth Disease Type 2, TRPV4-Related (CMT2C). Identifiers: Orphanet 99937, MedGen C1853710, MONDO:0011633, OMIM 606071.

Allele frequency attached by ClinVar (database versions not stated): TOPMed 0.00002; gnomAD 0.00002; gnomAD exomes 0.00003 and 0.00002; ExAC 0.00002.

Submissions (3):

Labcorp Genetics (formerly Invitae), Labcorp
Classification: Uncertain significance for Charcot-Marie-Tooth disease axonal type 2C. Last evaluated: 2025-11-09. Review status: criteria provided, single submitter. Criteria: Invitae Variant Classification Sherloc (09022015). Collection method: clinical testing. Allele origin: germline.
Comment: This sequence change replaces arginine, which is basic and polar, with tryptophan, which is neutral and slightly polar, at codon 400 of the TRPV4 protein (p.Arg400Trp). This variant is present in population databases (rs781711282, gnomAD 0.006%). This variant has not been reported in the literature in individuals affected with TRPV4-related conditions. ClinVar contains an entry for this variant (Variation ID: 450767). Invitae Evidence Modeling of protein sequence and biophysical properties (such as structural, functional, and spatial information, amino acid conservation, physicochemical variation, residue mobility, and thermodynamic stability) has been performed for this missense variant. However, the output from this modeling did not meet the statistical confidence thresholds required to predict the impact of this variant on TRPV4 protein function. In summary, the available evidence is currently insufficient to determine the role of this variant in disease. Therefore, it has been classified as a Variant of Uncertain Significance.

GeneDx
Classification: Uncertain significance. Last evaluated: 2024-02-14. Review status: criteria provided, single submitter. Criteria: GeneDx Variant Classification Process June 2021. Collection method: clinical testing. Allele origin: germline. Affected: yes.
Comment: In silico analysis supports that this missense variant has a deleterious effect on protein structure/function; Has not been previously published as pathogenic or benign to our knowledge

ARUP Laboratories, Molecular Genetics and Genomics, ARUP Laboratories
Classification: Uncertain significance. Last evaluated: 2023-05-30. Review status: criteria provided, single submitter. Criteria: ARUP Molecular Germline Variant Investigation Process 2024. Collection method: clinical testing. Allele origin: germline.
Comment: The TRPV4 c.1198C>T; p.Arg400Trp variant (rs781711282), to our knowledge, is not reported in the medical literature but is reported in ClinVar (Variation ID: 450767) . This variant is found in the general population with an overall allele frequency of 0.002% (6/251174 alleles) in the Genome Aggregation Database. Computational analyses predict that this variant is deleterious (REVEL: 0.81). Due to limited information, the clinical significance of this variant is uncertain at this time.